The following is an entry in ClinVar:

ClinVar aggregate classification (germline): Uncertain significance (1 of 4 stars; one submission).

Conditions:
ACACB-related disorder. Also called: ACACB-related condition.

Submission:

PreventionGenetics, part of Exact Sciences
Classification: Uncertain significance for ACACB-related condition. Last evaluated: 2025-09-22. Review status: criteria provided, single submitter. Criteria: ACMG Guidelines, 2015. Collection method: clinical testing. Allele origin: germline.
Comment: The ACACB c.1267A>G variant is predicted to result in the amino acid substitution p.Ser423Gly. To our knowledge, this variant has not been reported in the literature or in a large population database (gnomAD), indicating this variant is rare. At this time, the clinical significance of this variant is uncertain due to the absence of conclusive functional and genetic evidence.

NM_001093.4(ACACB):c.1267A>G (p.Ser423Gly)

Gene: ACACB (acetyl-CoA carboxylase beta; plus strand). Cytogenetic location: 12q24.11.
Variant type: single nucleotide variant.
Coding change: c.1267A>G on transcript NM_001093.4 (MANE Select); coding-DNA position 1267, A replaced by G.
Protein change: p.Ser423Gly; replaces serine 423 with glycine.
Molecular consequence: missense variant.
Genome position (GRCh38, 1-based): chr12:109,175,981, A>G. VCF-style: chr12-109175981-A-G. GRCh37 (hg19) VCF-style: chr12-109613786-A-G.
Other names: c.1267A>G, p.Ser423Gly (NM_001412734.1, NM_001412735.1); c.661A>G, p.Ser221Gly (NM_001412736.1, NM_001412738.1, NM_001412739.1 and 2 more transcripts); c.640A>G, p.Ser214Gly (NM_001412737.1); short protein forms S423G, S221G, S214G.
Identifiers: ClinVar variation 4998735 (VCV004998735.1).
Genomic context (GRCh38, chr12:109,175,981, plus strand): 5'-GACTCTCCAGGCCTGACAGTGGAGTGGACAGAAGATGATCTGCAGCAGGGAAAAAGAATC[A>G]GTGTCCCAGAAGATGTTTATGACAAGGGTTGCGTGAAAGACGTAGATGAGGGCTTGGAGG-3'
Protein context (NP_001084.3, residues 413-433): EDDLQQGKRI[Ser423Gly]VPEDVYDKGC